The following is an entry in ClinVar:

ClinVar aggregate classification (germline): Pathogenic/Likely pathogenic. Review status: criteria provided, multiple submitters, no conflicts (2 of 4 stars). 2 submissions from 2 submitters: Pathogenic (1); Likely pathogenic (1). Last evaluated 2025-11-10.

Conditions:
Carnitine deficiency. Identifiers: MedGen C1142132.
Renal carnitine transport defect (CDSP). Also called: CARNITINE DEFICIENCY, SYSTEMIC, DUE TO DEFECT IN RENAL REABSORPTION OF CARNITINE; CARNITINE TRANSPORTER, PLASMA-MEMBRANE, DEFICIENCY OF; CARNITINE UPTAKE DEFECT; Primary carnitine deficiency; Systemic primary carnitine deficiency; Carnitine transporter deficiency. Identifiers: Orphanet 158, MedGen C0342788, MONDO:0008919, OMIM 212140.

Submissions (2):

Natera, Inc.
Classification: Likely pathogenic for Carnitine deficiency. Last evaluated: 2025-11-10. Review status: criteria provided, single submitter. Criteria: Natera Variant Classification Schema (03/2026). Collection method: clinical testing. Allele origin: germline.
Comment: The c.16G>T variant in SLC22A5 is a nonsense variant predicted to introduce a stop codon at amino acid 6. This variant is expected to result in nonsense mediated decay, truncation, or a dysfunctional protein product. This variant is rare in the general population with a frequency below the threshold expected for the associated phenotype(s). Given the available evidence, this variant is classified as Likely Pathogenic.

Labcorp Genetics (formerly Invitae), Labcorp
Classification: Pathogenic for Renal carnitine transport defect. Last evaluated: 2024-09-17. Review status: criteria provided, single submitter. Criteria: Invitae Variant Classification Sherloc (09022015). Collection method: clinical testing. Allele origin: germline.
Comment: This sequence change creates a premature translational stop signal (p.Glu6*) in the SLC22A5 gene. It is expected to result in an absent or disrupted protein product. Loss-of-function variants in SLC22A5 are known to be pathogenic (PMID: 9916797). This variant is not present in population databases (gnomAD no frequency). This variant has not been reported in the literature in individuals affected with SLC22A5-related conditions. For these reasons, this variant has been classified as Pathogenic.

Literature cited by the submitters: PubMed 9916797 (cited by Labcorp Genetics (formerly Invitae), Labcorp).

NM_003060.4(SLC22A5):c.16G>T (p.Glu6Ter)

Gene: SLC22A5 (solute carrier family 22 member 5; plus strand). Cytogenetic location: 5q31.1.
Variant type: single nucleotide variant.
Coding change: c.16G>T on transcript NM_003060.4 (MANE Select); coding-DNA position 16, G replaced by T.
Protein change: p.Glu6Ter; replaces glutamic acid 6 with a stop codon.
Molecular consequence: nonsense.
Genome position (GRCh38, 1-based): chr5:132,369,988, G>T. VCF-style: chr5-132369988-G-T. GRCh37 (hg19) VCF-style: chr5-131705680-G-T.
Other names: c.16G>T, p.Glu6Ter (NM_001308122.2); c.16G>T (NM_003060.3); short protein forms E6*.
Identifiers: ClinVar variation 3717733 (VCV003717733.3).
Genomic context (GRCh38, chr5:132,369,988, plus strand): 5'-CGTTCCCCGACCCCAGGCCGCGCTCTGTGGGCCTCTGAGGGCGGCATGCGGGACTACGAC[G>T]AGGTGACCGCCTTCCTGGGCGAGTGGGGGCCCTTCCAGCGCCTCATCTTCTTCCTGCTCA-3'